The following is an entry in ClinVar:

ClinVar aggregate classification (germline): Conflicting classifications of pathogenicity. Review status: criteria provided, conflicting classifications (1 of 4 stars). 3 submissions from 3 submitters: Uncertain significance (2); Likely benign (1). Last evaluated 2026-02-26.

Conditions:
Inborn genetic diseases. Identifiers: MedGen C0950123, MeSH D030342.

Allele frequency attached by ClinVar (database versions not stated): gnomAD exomes 0.00002; ExAC 0.00004; ESP Exome Variant Server 0.00023; gnomAD 0.00026; TOPMed 0.00034.
gnomAD v4.1: 76 of 1,613,600 alleles (0.0047%); highest among the groups gnomAD compares: African/African-American, 0.092%; no homozygotes.

Submissions (3):

GeneDx
Classification: Uncertain significance. Last evaluated: 2026-02-26. Review status: criteria provided, single submitter. Criteria: GeneDx Variant Classification Process June 2021. Collection method: clinical testing. Allele origin: germline.
Comment: In silico analysis supports that this missense variant has a deleterious effect on protein structure/function; Has not been previously published as pathogenic or benign to our knowledge

Ambry Genetics
Classification: Likely benign for Inborn genetic diseases. Last evaluated: 2023-06-16. Review status: criteria provided, single submitter. Criteria: Ambry Variant Classification Scheme 2023. Collection method: clinical testing. Allele origin: germline.

Labcorp Genetics (formerly Invitae), Labcorp
Classification: Uncertain significance. Last evaluated: 2022-08-31. Review status: criteria provided, single submitter. Criteria: Invitae Variant Classification Sherloc (09022015). Collection method: clinical testing. Allele origin: germline.
Comment: This sequence change replaces threonine, which is neutral and polar, with asparagine, which is neutral and polar, at codon 827 of the ANK3 protein (p.Thr827Asn). This variant is present in population databases (rs138631688, gnomAD 0.07%). This variant has not been reported in the literature in individuals affected with ANK3-related conditions. Algorithms developed to predict the effect of missense changes on protein structure and function are either unavailable or do not agree on the potential impact of this missense change (SIFT: "Not Available"; PolyPhen-2: "Probably Damaging"; Align-GVGD: "Not Available"). In summary, the available evidence is currently insufficient to determine the role of this variant in disease. Therefore, it has been classified as a Variant of Uncertain Significance.

NM_020987.5(ANK3):c.2480C>A (p.Thr827Asn)

Gene: ANK3 (ankyrin 3; minus strand). Cytogenetic location: 10q21.2.
Variant type: single nucleotide variant.
Coding change: c.2480C>A on transcript NM_020987.5 (MANE Select); coding-DNA position 2480, C replaced by A.
Protein change: p.Thr827Asn; replaces threonine 827 with asparagine.
Molecular consequence: missense variant.
Genome position (GRCh38, 1-based): chr10:60,166,895, G>T on the plus strand (C>A on the coding strand, the complement: ANK3 is on the minus strand). VCF-style: chr10-60166895-G-T. GRCh37 (hg19) VCF-style: chr10-61926653-G-T.
Other names: c.2462C>A, p.Thr821Asn (NM_001204403.2); c.2429C>A, p.Thr810Asn (NM_001204404.2); c.2480C>A, p.Thr827Asn (NM_001320874.2); short protein forms T821N, T810N, T827N.
Identifiers: ClinVar variation 2171408 (VCV002171408.7), dbSNP rs138631688, ClinGen allele CA5512782.
Genomic context (GRCh38, chr10:60,166,895, plus strand): 5'-GACATATCAAGAACTTCATTCATCGTTTCTGGAACATTCATTTTGTGCTTCTCTGTGACA[G>T]TCTAGTAACAAAAAAGCAGTCATTTTAGTGTGAGCAGACTGTACATTTTAATGGGTCTTT-3'
Protein context (NP_066267.2, residues 817-837): IVTEETMTTT[Thr827Asn]VTEKHKMNVP